The following is an entry in ClinVar:

ClinVar aggregate classification (germline): Conflicting classifications of pathogenicity. Review status: criteria provided, conflicting classifications (1 of 4 stars). 2 submissions from 2 submitters: Uncertain significance (1); Likely benign (1). Last evaluated 2025-12-17.

Conditions:
Familial thoracic aortic aneurysm and aortic dissection (TAAD). Also called: Thoracic aortic aneurysms and dissections. Identifiers: Orphanet 91387, MedGen C4707243, MONDO:0019625.
Shprintzen-Goldberg syndrome (SGS). Also called: CRANIOSYNOSTOSIS WITH ARACHNODACTYLY AND ABDOMINAL HERNIAS; SHPRINTZEN-GOLDBERG CRANIOSYNOSTOSIS SYNDROME; Marfanoid disorder with craniosynostosis type 1; Marfanoid craniosynostosis syndrome; Shprintzen-Goldberg marfanoid syndrome. Identifiers: Orphanet 2462, MedGen C1321551, MONDO:0008426, OMIM 182212.

Allele frequency attached by ClinVar (database versions not stated): TOPMed 0.00001; gnomAD 0.00003.
gnomAD v4.1: 11 of 1,557,228 alleles (0.00071%); highest among the groups gnomAD compares: African/African-American, 0.0041%; no homozygotes.

Submissions (2):

Labcorp Genetics (formerly Invitae), Labcorp
Classification: Likely benign for Shprintzen-Goldberg syndrome. Last evaluated: 2025-12-17. Review status: criteria provided, single submitter. Criteria: Invitae Variant Classification Sherloc (09022015). Collection method: clinical testing. Allele origin: germline.

Ambry Genetics
Classification: Uncertain significance for Familial thoracic aortic aneurysm and aortic dissection. Last evaluated: 2023-10-15. Review status: criteria provided, single submitter. Criteria: Ambry Variant Classification Scheme 2023. Collection method: clinical testing. Allele origin: germline.
Comment: The p.A661T variant (also known as c.1981G>A), located in coding exon 6 of the SKI gene, results from a G to A substitution at nucleotide position 1981. The alanine at codon 661 is replaced by threonine, an amino acid with similar properties. This amino acid position is well conserved in available vertebrate species. In addition, the in silico prediction for this alteration is inconclusive. Since supporting evidence is limited at this time, the clinical significance of this alteration remains unclear.

NM_003036.4(SKI):c.1981G>A (p.Ala661Thr)

Gene: SKI (SKI proto-oncogene; plus strand). Cytogenetic location: 1p36.32.
Variant type: single nucleotide variant.
Coding change: c.1981G>A on transcript NM_003036.4 (MANE Select); coding-DNA position 1981, G replaced by A.
Protein change: p.Ala661Thr; replaces alanine 661 with threonine.
Molecular consequence: missense variant.
Genome position (GRCh38, 1-based): chr1:2,306,233, G>A. VCF-style: chr1-2306233-G-A. GRCh37 (hg19) VCF-style: chr1-2237672-G-A.
Other names: short protein forms A661T.
Identifiers: ClinVar variation 1783820 (VCV001783820.7), dbSNP rs771845588, ClinGen allele CA536843.
Genomic context (GRCh38, chr1:2,306,233, plus strand): 5'-CTGGAGCAGGCGCGGCAGGCCCGGGTGTGCGACAAGGGCTGCGAGGCGGGCCGCCTGCGC[G>A]CCAAGTACTCGGCCCAGGTATGCGGGTGGGGAGACTGAGGCACGCAGCACGGTGGGCGTG-3'
Protein context (NP_003027.1, residues 651-671): DKGCEAGRLR[Ala661Thr]KYSAQIEDLQ